The following is an entry in ClinVar:

NM_012291.5(ESPL1):c.1787G>A (p.Arg596Gln)

Gene: ESPL1 (extra spindle pole bodies like 1, separase; plus strand). Cytogenetic location: 12q13.13.
Variant type: single nucleotide variant.
Coding change: c.1787G>A on transcript NM_012291.5 (MANE Select); coding-DNA position 1787, G replaced by A.
Protein change: p.Arg596Gln; replaces arginine 596 with glutamine.
Molecular consequence: missense variant.
Genome position (GRCh38, 1-based): chr12:53,276,706, G>A. VCF-style: chr12-53276706-G-A. GRCh37 (hg19) VCF-style: chr12-53670490-G-A.
Other names: short protein forms R596Q.
Identifiers: ClinVar variation 732991 (VCV000732991.5), dbSNP rs143192971, ClinGen allele CA6597122.
Genomic context (GRCh38, chr12:53,276,706, plus strand): 5'-GGGACCCGGAGACCCTGGCCCTCCTGCTGAGGGAGGAGCTGCAGGCCTACAAGGCGGTGC[G>A]GGCCGACACTGGACAGGAACGCTTCAACATCATCTGTGACCTCCTGGAGCTGAGCCCCGA-3'
Protein context (NP_036423.4, residues 586-606): REELQAYKAV[Arg596Gln]ADTGQERFNI

ClinVar aggregate classification (germline): Benign. Review status: criteria provided, single submitter (1 of 4 stars). 2 submissions from 2 submitters: Benign (1). 1 of the submissions does not count toward it. Last evaluated 2017-12-28.

Conditions:
ESPL1-related disorder. Also called: ESPL1-related condition.

Allele frequency attached by ClinVar (database versions not stated): gnomAD exomes 0.00109; ExAC 0.00146; gnomAD 0.00440; ESP Exome Variant Server 0.00446; TOPMed 0.00474; 1000 Genomes Project 0.00559; 1000 Genomes Project 30x 0.00671.

Submissions (2):

Labcorp Genetics (formerly Invitae), Labcorp
Classification: Benign. Last evaluated: 2017-12-28. Review status: criteria provided, single submitter. Criteria: Invitae Variant Classification Sherloc (09022015). Collection method: clinical testing. Allele origin: germline.

PreventionGenetics, part of Exact Sciences
Classification: Benign for ESPL1-related condition. Last evaluated: 2019-10-28. Review status: no assertion criteria provided. Collection method: clinical testing. Allele origin: germline. Not counted in ClinVar's aggregate classification.
Comment: This variant is classified as benign based on ACMG/AMP sequence variant interpretation guidelines (Richards et al. 2015 PMID: 25741868, with internal and published modifications).